The following is an entry in ClinVar:

NM_001083116.3(PRF1):c.*174T>C

Gene: PRF1 (perforin 1; minus strand). Cytogenetic location: 10q22.1.
Variant type: single nucleotide variant.
Coding change: c.*174T>C on transcript NM_001083116.3 (MANE Select); 174 bases downstream of the stop codon, T replaced by C.
Molecular consequence: 3 prime UTR variant.
Genome position (GRCh38, 1-based): chr10:70,597,879, A>G on the plus strand (T>C on the coding strand, the complement: PRF1 is on the minus strand). VCF-style: chr10-70597879-A-G. GRCh37 (hg19) VCF-style: chr10-72357635-A-G.
Other names: c.*174T>C (NM_005041.6).
Identifiers: ClinVar variation 879864 (VCV000879864.4), dbSNP rs74513535, ClinGen allele CA209365911.

ClinVar aggregate classification (germline): Likely benign (1 of 4 stars; one submission).

Conditions:
Familial hemophagocytic lymphohistiocytosis 2 (FHL2). Also called: PRF1-Related Familial Hemophagocytic Lymphohistiocytosis (PRF1-fHLH). Identifiers: Orphanet 540, MedGen C1863727, MONDO:0011337, OMIM 603553.

Allele frequency attached by ClinVar (database versions not stated): 1000 Genomes Project 0.00359; 1000 Genomes Project 30x 0.00390; TOPMed 0.00769; gnomAD 0.00926 and 0.00966.
gnomAD v4.1: 7,607 of 747,346 alleles (1%); highest among the groups gnomAD compares: Non-Finnish European, 1.3%; 73 homozygotes.

Submission:

Illumina Laboratory Services, Illumina
Classification: Likely benign for Familial hemophagocytic lymphohistiocytosis 2. Last evaluated: 2018-01-13. Review status: criteria provided, single submitter. Criteria: ICSL Variant Classification Criteria 13 December 2019. Collection method: clinical testing. Allele origin: germline.
Comment: This variant was observed in the ICSL laboratory as part of a predisposition screen in an ostensibly healthy population. It had not been previously curated by ICSL or reported in the Human Gene Mutation Database (HGMD: prior to June 1st, 2018), and was therefore a candidate for classification through an automated scoring system. Utilizing variant allele frequency, disease prevalence and penetrance estimates, and inheritance mode, an automated score was calculated to assess if this variant is too frequent to cause the disease. Based on the score and internal cut-off values, a variant classified as likely benign is not then subjected to further curation. The score for this variant resulted in a classification of likely benign for this disease.